The following is an entry in ClinVar:

NM_001378414.1(HDAC4):c.271G>T (p.Ala91Ser)

Gene: HDAC4 (histone deacetylase 4; minus strand). Cytogenetic location: 2q37.3.
Variant type: single nucleotide variant.
Coding change: c.271G>T on transcript NM_001378414.1 (MANE Select); coding-DNA position 271, G replaced by T.
Protein change: p.Ala91Ser; replaces alanine 91 with serine.
Molecular consequence: missense variant.
Genome position (GRCh38, 1-based): chr2:239,189,901, C>A on the plus strand (G>T on the coding strand, the complement: HDAC4 is on the minus strand). VCF-style: chr2-239189901-C-A. GRCh37 (hg19) VCF-style: chr2-240111597-C-A.
Other names: c.271G>T, p.Ala91Ser (NM_001378415.1, NM_001378416.1, NM_001378417.1 and 1 more transcripts); short protein forms A91S.
Identifiers: ClinVar variation 1341591 (VCV001341591.2), dbSNP rs763704380, ClinGen allele CA351275449.

ClinVar aggregate classification (germline): Uncertain significance (1 of 4 stars; one submission).

gnomAD v4.1: 3 of 1,611,050 alleles (0.00019%); highest among the groups gnomAD compares: East Asian, 0.0045%; no homozygotes.

Submission:

GeneDx
Classification: Uncertain significance. Last evaluated: 2022-01-26. Review status: criteria provided, single submitter. Criteria: GeneDx Variant Classification Process June 2021. Collection method: clinical testing. Allele origin: germline. Affected: yes.
Comment: Not observed at significant frequency in large population cohorts (gnomAD); In silico analysis supports that this missense variant does not alter protein structure/function; Has not been previously published as pathogenic or benign to our knowledge